The following is an entry in ClinVar:

NM_002234.4(KCNA5):c.701G>T (p.Arg234Leu)

Gene: KCNA5 (potassium voltage-gated channel subfamily A member 5; plus strand). Cytogenetic location: 12p13.32.
Variant type: single nucleotide variant.
Coding change: c.701G>T on transcript NM_002234.4 (MANE Select); coding-DNA position 701, G replaced by T.
Protein change: p.Arg234Leu; replaces arginine 234 with leucine.
Molecular consequence: missense variant.
Genome position (GRCh38, 1-based): chr12:5,044,848, G>T. VCF-style: chr12-5044848-G-T. GRCh37 (hg19) VCF-style: chr12-5154014-G-T.
Other names: short protein forms R234L.
Identifiers: ClinVar variation 191461 (VCV000191461.16), dbSNP rs371521698, ClinGen allele CA236717.

ClinVar aggregate classification (germline): Conflicting classifications of pathogenicity. Review status: criteria provided, conflicting classifications (1 of 4 stars). 6 submissions from 6 submitters: Uncertain significance (5); Likely benign (1). Last evaluated 2025-11-24.

Conditions:
Atrial fibrillation, familial, 7 (ATFB7). Identifiers: MedGen C2677106, MONDO:0012828, OMIM 612240.

Allele frequency attached by ClinVar (database versions not stated): ExAC 0.00004; gnomAD exomes 0.00004 and 0.00017; TOPMed 0.00009; gnomAD 0.00011 and 0.00012; ESP Exome Variant Server 0.00015.

Submissions (6):

GeneDx
Classification: Uncertain significance. Last evaluated: 2025-11-24. Review status: criteria provided, single submitter. Criteria: GeneDx Variant Classification Process June 2021. Collection method: clinical testing. Allele origin: germline. Affected: yes.
Comment: Has not been previously published as pathogenic or benign to our knowledge; In silico analysis supports that this missense variant has a deleterious effect on protein structure/function

Labcorp Genetics (formerly Invitae), Labcorp
Classification: Uncertain significance for Atrial fibrillation, familial, 7. Last evaluated: 2025-10-08. Review status: criteria provided, single submitter. Criteria: Invitae Variant Classification Sherloc (09022015). Collection method: clinical testing. Allele origin: germline.
Comment: This sequence change replaces arginine, which is basic and polar, with leucine, which is neutral and non-polar, at codon 234 of the KCNA5 protein (p.Arg234Leu). This variant is present in population databases (rs371521698, gnomAD 0.01%). This variant has not been reported in the literature in individuals affected with KCNA5-related conditions. ClinVar contains an entry for this variant (Variation ID: 191461). Invitae Evidence Modeling of protein sequence and biophysical properties (such as structural, functional, and spatial information, amino acid conservation, physicochemical variation, residue mobility, and thermodynamic stability) indicates that this missense variant is not expected to disrupt KCNA5 protein function with a negative predictive value of 80%. In summary, the available evidence is currently insufficient to determine the role of this variant in disease. Therefore, it has been classified as a Variant of Uncertain Significance.

Blueprint Genetics
Classification: Likely benign. Last evaluated: 2024-10-28. Review status: criteria provided, single submitter. Criteria: ACMG Guidelines, 2015. Collection method: clinical testing. Allele origin: germline.

Fulgent Genetics
Classification: Uncertain significance for Atrial fibrillation, familial, 7. Last evaluated: 2021-07-26. Review status: criteria provided, single submitter. Criteria: ACMG Guidelines, 2015. Collection method: clinical testing. Allele origin: unknown.

Illumina Laboratory Services, Illumina
Classification: Uncertain significance for Atrial fibrillation, familial, 7. Last evaluated: 2018-01-12. Review status: criteria provided, single submitter. Criteria: ICSL Variant Classification Criteria 13 December 2019. Collection method: clinical testing. Allele origin: germline.

Biesecker Lab/Clinical Genomics Section, National Institutes of Health
Classification: Uncertain significance. Last evaluated: 2013-06-24. Review status: criteria provided, single submitter. Criteria: Ng et al. (Circ Cardiovasc Genet. 2013). Collection method: research. Allele origin: unknown. Observed: 1 variant allele. Study: ClinSeq.
Comment: The study set was not selected for affection status in relation to any cancer. Pathogenicity categories were based on literature curation. See Pubmed ID:23861362 for details.

Medical sequencing